The following is an entry in ClinVar:

NM_000282.4(PCCA):c.947T>G (p.Met316Arg)

Gene: PCCA (propionyl-CoA carboxylase subunit alpha; plus strand). Cytogenetic location: 13q32.3.
Variant type: single nucleotide variant.
Coding change: c.947T>G on transcript NM_000282.4 (MANE Select); coding-DNA position 947, T replaced by G.
Protein change: p.Met316Arg; replaces methionine 316 with arginine.
Molecular consequence: missense variant. On other transcripts: initiator codon variant (3), non-coding transcript variant (5).
Genome position (GRCh38, 1-based): chr13:100,273,228, T>G. VCF-style: chr13-100273228-T-G. GRCh37 (hg19) VCF-style: chr13-100925482-T-G.
Other names: c.869T>G, p.Met290Arg (NM_001127692.3, NM_001352607.2, NM_001352608.2); c.947T>G, p.Met316Arg (NM_001178004.2, NM_001352605.2, NM_001352606.2 and 1 more transcripts); c.2T>G, p.Met1Arg (NM_001352610.2, NM_001352611.2, NM_001352612.2); short protein forms M316R, M1R, M290R.
Identifiers: ClinVar variation 498769 (VCV000498769.10), dbSNP rs137861347, ClinGen allele CA388694737.

ClinVar aggregate classification (germline): Conflicting classifications of pathogenicity. Review status: criteria provided, conflicting classifications (1 of 4 stars). 2 submissions from 2 submitters: Likely pathogenic (1); Uncertain significance (1). Last evaluated 2021-08-30.

Conditions:
Propionic acidemia (PROP). Also called: GLYCINEMIA, KETOTIC; HYPERGLYCINEMIA WITH KETOACIDOSIS AND LEUKOPENIA; KETOTIC HYPERGLYCINEMIA. Identifiers: Orphanet 35, MedGen C0268579, MONDO:0011628, OMIM 606054, HP:0003571.

Submissions (2):

Labcorp Genetics (formerly Invitae), Labcorp
Classification: Uncertain significance for Propionic acidemia. Last evaluated: 2021-08-30. Review status: criteria provided, single submitter. Criteria: Invitae Variant Classification Sherloc (09022015). Collection method: clinical testing. Allele origin: germline.
Comment: This sequence change replaces methionine with arginine at codon 316 of the PCCA protein (p.Met316Arg). The methionine residue is highly conserved and there is a moderate physicochemical difference between methionine and arginine. This variant is not present in population databases (ExAC no frequency). This variant has not been reported in the literature in individuals affected with PCCA-related conditions. ClinVar contains an entry for this variant (Variation ID: 498769). Advanced modeling of protein sequence and biophysical properties (such as structural, functional, and spatial information, amino acid conservation, physicochemical variation, residue mobility, and thermodynamic stability) performed at Invitae indicates that this missense variant is expected to disrupt PCCA protein function. In summary, the available evidence is currently insufficient to determine the role of this variant in disease. Therefore, it has been classified as a Variant of Uncertain Significance.

Eurofins Ntd Llc (ga)
Classification: Likely pathogenic. Last evaluated: 2017-01-12. Review status: criteria provided, single submitter. Criteria: EGL Classification Definitions 2015. Collection method: clinical testing. Allele origin: germline. Observed: 2 variant alleles, 2 heterozygotes.